The following is an entry in ClinVar:

NC_000022.11:g.(?_18922797)_(18936307_?)del

Genes: HSERVPRODH (human-specific endogenous retroviral insert PRODH enhancer; plus strand), PRODH (proline dehydrogenase 1; minus strand). Cytogenetic location: 22q11.21.
Variant type: Deletion.
Identifiers: ClinVar variation 459906 (VCV000459906.1).

ClinVar aggregate classification (germline): Pathogenic (1 of 4 stars; one submission).

Conditions:
Proline dehydrogenase deficiency (HYRPRO1). Also called: PROLINE OXIDASE DEFICIENCY; Hyperprolinemia type 1. Identifiers: Orphanet 419, MedGen C0268529, MONDO:0009400, OMIM 239500.

Submission:

Labcorp Genetics (formerly Invitae), Labcorp
Classification: Pathogenic for Proline dehydrogenase deficiency. Last evaluated: 2017-04-06. Review status: criteria provided, single submitter. Criteria: Invitae Variant Classification Sherloc (09022015). Collection method: clinical testing. Allele origin: germline.
Comment: A gross deletion of the genomic region encompassing the full coding sequence of the PRODH gene has been identified. The boundaries of this event are unknown as the deletion extends beyond the assayed region for this gene and therefore may encompass additional genes. While this particular variant has not been reported in the literature, loss-of-function mutations in the PRODH gene are known to be pathogenic (PMID: 12525555, 15662599). For these reasons, this variant has been classified as Pathogenic.